The following is an entry in ClinVar:

ClinVar aggregate classification (germline): Pathogenic (1 of 4 stars; one submission).

Conditions:
Autosomal recessive nonsyndromic hearing loss 4 (DFNB4). Also called: NEUROSENSORY NONSYNDROMIC RECESSIVE DEAFNESS 4; FOXI1-Related Pendred Syndrome; KCNJ10-Related Pendred Syndrome; DEAFNESS, AUTOSOMAL RECESSIVE 4, WITH ENLARGED VESTIBULAR AQUEDUCT, DIGENIC; Nonsyndromic enlarged vestibular aqueduct (NSEVA); Deafness, autosomal recessive 4, with enlarged vestibular aqueduct. Identifiers: Orphanet 90636, MedGen C3538946, MONDO:0010933, OMIM 600791.

Submission:

Precision Medicine Center, Zhengzhou University
Classification: Pathogenic for Autosomal recessive nonsyndromic hearing loss 4. Last evaluated: 2026-10-18. Review status: criteria provided, single submitter. Criteria: ClinGen HL ACMG Specifications v1. Collection method: clinical testing. Allele origin: germline. Inheritance: Autosomal recessive inheritance. Affected: yes. Observed: 1 variant allele, 1 compound heterozygote.
Comment: PVS1 (frameshift insertion in exon 2 of NM_000441.2, predicted to result in p.Glu48ValfsTer39 and loss of function); PM2 (absent from population frequency databases); PP4 (bilateral enlarged vestibular aqueduct with severe, progressive sensorineural hearing loss, a phenotype highly specific for SLC26A4-related disease).

NM_000441.2(SLC26A4):c.142_143insT (p.Glu48fs)

Genes: SLC26A4 (solute carrier family 26 member 4; plus strand), SLC26A4-AS1 (SLC26A4 antisense RNA 1; minus strand). Cytogenetic location: 7q22.3.
Variant type: Insertion.
Coding change: c.142_143insT on transcript NM_000441.2 (MANE Select); coding-DNA positions 142 to 143, T inserted.
Protein change: p.Glu48fs; shifts the reading frame from glutamic acid 48.
Molecular consequence: frameshift variant. On other transcripts: non-coding transcript variant (1).
Genome position: GRCh38 VCF-style: chr7-107661783-G-GT. GRCh37 (hg19) VCF-style: chr7-107302228-G-GT.
Other names: short protein forms E48fs.
Identifiers: ClinVar variation 5042506 (VCV005042506.1).